The following is an entry in ClinVar:

ClinVar aggregate classification (germline): Benign/Likely benign. Review status: criteria provided, multiple submitters, no conflicts (2 of 4 stars). 5 submissions from 5 submitters: Benign (1); Likely benign (4). Last evaluated 2026-05-18.

Conditions:
Neurofibromatosis, type 1 (NF1). Also called: NEUROFIBROMATOSIS, TYPE I, SOMATIC; Neurofibromatosis, type I; VON RECKLINGHAUSEN DISEASE; Peripheral type neurofibromatosis. Identifiers: Orphanet 636, MedGen C0027831, MONDO:0018975, OMIM 162200. Disease mechanism: loss of function.
Hereditary cancer-predisposing syndrome. Also called: Hereditary neoplastic syndrome; Neoplastic Syndromes, Hereditary; Hereditary Cancer Syndrome; Tumor predisposition. Identifiers: Orphanet 140162, MedGen C0027672, MeSH D009386, MONDO:0015356.

Allele frequency attached by ClinVar (database versions not stated): gnomAD 0.00001; ESP Exome Variant Server 0.00008; gnomAD exomes below 0.00001; TOPMed below 0.00001.
gnomAD v4.1: 8 of 1,613,802 alleles (0.0005%); highest among the groups gnomAD compares: African/African-American, 0.0093%; no homozygotes.

Submissions (5):

Myriad Genetics, Inc.
Classification: Benign for Neurofibromatosis, type 1. Last evaluated: 2026-05-18. Review status: criteria provided, single submitter. Criteria: Myriad Autosomal Dominant, Autosomal Recessive and X-Linked Classification Criteria (2023). Collection method: clinical testing. Allele origin: unknown.
Comment: This variant is considered benign. This variant is a silent/synonymous amino acid change and it is not expected to impact splicing.

Labcorp Genetics (formerly Invitae), Labcorp
Classification: Likely benign for Neurofibromatosis, type 1. Last evaluated: 2025-10-13. Review status: criteria provided, single submitter. Criteria: Invitae Variant Classification Sherloc (09022015). Collection method: clinical testing. Allele origin: germline.

Genome-Nilou Lab
Classification: Likely benign for Neurofibromatosis, type 1. Last evaluated: 2022-03-15. Review status: criteria provided, single submitter. Criteria: ACMG Guidelines, 2015. Collection method: clinical testing. Allele origin: germline. Affected: no.

Women's Health and Genetics/Laboratory Corporation of America, LabCorp
Classification: Likely benign. Last evaluated: 2019-08-29. Review status: criteria provided, single submitter. Criteria: LabCorp Variant Classification Summary - May 2015. Collection method: clinical testing. Allele origin: germline.

Ambry Genetics
Classification: Likely benign for Hereditary cancer-predisposing syndrome. Last evaluated: 2015-03-19. Review status: criteria provided, single submitter. Criteria: Ambry Autosomal Dominant and X-Linked criteria (10/2015). Collection method: clinical testing. Allele origin: germline. Observed: 1 variant allele.

NM_001042492.3(NF1):c.2361A>G (p.Ala787=)

Gene: NF1 (neurofibromin 1; plus strand). Cytogenetic location: 17q11.2.
Variant type: single nucleotide variant.
Coding change: c.2361A>G on transcript NM_001042492.3 (MANE Select); coding-DNA position 2361, A replaced by G.
Protein change: p.Ala787=; no amino-acid change (alanine 787 retained).
Molecular consequence: synonymous variant.
Genome position (GRCh38, 1-based): chr17:31,227,558, A>G. VCF-style: chr17-31227558-A-G. GRCh37 (hg19) VCF-style: chr17-29554576-A-G.
Other names: c.2361A>G, p.Ala787= (NM_000267.4).
Identifiers: ClinVar variation 230880 (VCV000230880.16), dbSNP rs371589922, ClinGen allele CA10580252.